The following is an entry in ClinVar:

NM_001040431.3(COA3):c.92C>T (p.Thr31Ile)

Gene: COA3 (cytochrome c oxidase assembly factor 3; minus strand). Cytogenetic location: 17q21.2.
Variant type: single nucleotide variant.
Coding change: c.92C>T on transcript NM_001040431.3 (MANE Select); coding-DNA position 92, C replaced by T.
Protein change: p.Thr31Ile; replaces threonine 31 with isoleucine.
Molecular consequence: missense variant.
Genome position (GRCh38, 1-based): chr17:42,798,590, G>A on the plus strand (C>T on the coding strand, the complement: COA3 is on the minus strand). VCF-style: chr17-42798590-G-A. GRCh37 (hg19) VCF-style: chr17-40950608-G-A.
Other names: short protein forms T31I.
Identifiers: ClinVar variation 4742313 (VCV004742313.1).

ClinVar aggregate classification (germline): Uncertain significance (1 of 4 stars; one submission).

Submission:

Labcorp Genetics (formerly Invitae), Labcorp
Classification: Uncertain significance. Last evaluated: 2025-10-03. Review status: criteria provided, single submitter. Criteria: Invitae Variant Classification Sherloc (09022015). Collection method: clinical testing. Allele origin: germline.
Comment: This sequence change replaces threonine, which is neutral and polar, with isoleucine, which is neutral and non-polar, at codon 31 of the COA3 protein (p.Thr31Ile). This variant is not present in population databases (gnomAD no frequency). This variant has not been reported in the literature in individuals affected with COA3-related conditions. An algorithm developed to predict the effect of missense changes on protein structure and function (PolyPhen-2) suggests that this variant is likely to be disruptive. In summary, the available evidence is currently insufficient to determine the role of this variant in disease. Therefore, it has been classified as a Variant of Uncertain Significance.